The following is an entry in ClinVar:

ClinVar aggregate classification (germline): Likely benign (1 of 4 stars; one submission).

Conditions:
PLXNA1-related disorder. Also called: PLXNA1-related condition.

gnomAD v4.1: 1 of 1,612,572 alleles (0.000062%); highest among the groups gnomAD compares: Non-Finnish European, 0.000085%; no homozygotes.

Submission:

PreventionGenetics, part of Exact Sciences
Classification: Likely benign for PLXNA1-related condition. Last evaluated: 2025-11-21. Review status: criteria provided, single submitter. Criteria: ACMG Guidelines, 2015. Collection method: clinical testing. Allele origin: germline.
Comment: This variant is classified as likely benign based on ACMG/AMP sequence variant interpretation guidelines (Richards et al. 2015 PMID: 25741868, with internal and published modifications).

NM_032242.4(PLXNA1):c.1149C>T (p.Leu383=)

Gene: PLXNA1 (plexin A1; plus strand). Cytogenetic location: 3q21.3.
Variant type: single nucleotide variant.
Coding change: c.1149C>T on transcript NM_032242.4 (MANE Select); coding-DNA position 1149, C replaced by T.
Protein change: p.Leu383=; no amino-acid change (leucine 383 retained).
Molecular consequence: synonymous variant.
Genome position (GRCh38, 1-based): chr3:126,989,742, C>T. VCF-style: chr3-126989742-C-T. GRCh37 (hg19) VCF-style: chr3-126708585-C-T.
Identifiers: ClinVar variation 4994772 (VCV004994772.1).
Genomic context (GRCh38, chr3:126,989,742, plus strand): 5'-GGCCATCAAGGAGAAGATTAAGGAGCGCATCCAGTCCTGCTACCGTGGTGAGGGCAAGCT[C>T]TCCCTGCCGTGGCTGCTCAACAAGGAGCTGGGCTGCATCAACTCGGTGAGTTGGGCAGGG-3'
Protein context (NP_115618.3, residues 373-393): IQSCYRGEGK[Leu383=]SLPWLLNKEL